The following is an entry in ClinVar:

NM_031475.3(ESPN):c.2195T>G (p.Val732Gly)

Gene: ESPN (espin; plus strand). Cytogenetic location: 1p36.31.
Variant type: single nucleotide variant.
Coding change: c.2195T>G on transcript NM_031475.3 (MANE Select); coding-DNA position 2195, T replaced by G.
Protein change: p.Val732Gly; replaces valine 732 with glycine.
Molecular consequence: missense variant.
Genome position (GRCh38, 1-based): chr1:6,451,966, T>G. VCF-style: chr1-6451966-T-G. GRCh37 (hg19) VCF-style: chr1-6512026-T-G.
Other names: c.2105T>G, p.Val702Gly (NM_001367473.1); c.2132T>G, p.Val711Gly (NM_001367474.1); short protein forms V702G, V711G, V732G.
Identifiers: ClinVar variation 4085484 (VCV004085484.8).

ClinVar aggregate classification (germline): Uncertain significance (1 of 4 stars; one submission).

Submission:

CeGaT Center for Human Genetics Tuebingen
Classification: Uncertain significance. Last evaluated: 2025-07-01. Review status: criteria provided, single submitter. Criteria: CeGaT Center For Human Genetics Tuebingen Variant Classification Criteria Version 2. Collection method: clinical testing. Allele origin: germline. Affected: yes. Observed: 1 variant allele.
Comment: ESPN: PM2